The following is an entry in ClinVar:

ClinVar aggregate classification (germline): Uncertain significance. Review status: criteria provided, multiple submitters, no conflicts (2 of 4 stars). 2 submissions from 2 submitters: Uncertain significance (2). Last evaluated 2026-01-06.

Conditions:
Hereditary cancer-predisposing syndrome. Also called: Tumor predisposition; Hereditary Cancer Syndrome; Hereditary neoplastic syndrome; Neoplastic Syndromes, Hereditary. Identifiers: Orphanet 140162, MedGen C0027672, MeSH D009386, MONDO:0015356.
BAP1-related tumor predisposition syndrome (TPDS1). Also called: Tumor susceptibility linked to germline BAP1 mutations; COMMON Syndrome; TUMOR PREDISPOSITION SYNDROME 1; BAP1 tumor predisposition syndrome. Identifiers: Orphanet 289539, MedGen C3280492, MONDO:0013692, OMIM 614327.

Submissions (2):

Ambry Genetics
Classification: Uncertain significance for Hereditary cancer-predisposing syndrome. Last evaluated: 2026-01-06. Review status: criteria provided, single submitter. Criteria: Ambry Variant Classification Scheme 2023. Collection method: clinical testing. Allele origin: germline.
Comment: The p.E257Q variant (also known as c.769G>C), located in coding exon 9 of the BAP1 gene, results from a G to C substitution at nucleotide position 769. The glutamic acid at codon 257 is replaced by glutamine, an amino acid with highly similar properties. This amino acid position is conserved. In addition, the in silico prediction for this alteration is inconclusive. Based on the available evidence, the clinical significance of this variant remains unclear.

Baylor Genetics
Classification: Uncertain significance for BAP1-related tumor predisposition syndrome. Last evaluated: 2023-10-10. Review status: criteria provided, single submitter. Criteria: ACMG Guidelines, 2015. Collection method: clinical testing. Allele origin: unknown.

NM_004656.4(BAP1):c.769G>C (p.Glu257Gln)

Gene: BAP1 (BRCA1 associated deubiquitinase 1; minus strand). Cytogenetic location: 3p21.1.
Variant type: single nucleotide variant.
Coding change: c.769G>C on transcript NM_004656.4 (MANE Select); coding-DNA position 769, G replaced by C.
Protein change: p.Glu257Gln; replaces glutamic acid 257 with glutamine.
Molecular consequence: missense variant.
Genome position (GRCh38, 1-based): chr3:52,406,267, C>G on the plus strand (G>C on the coding strand, the complement: BAP1 is on the minus strand). VCF-style: chr3-52406267-C-G. GRCh37 (hg19) VCF-style: chr3-52440283-C-G.
Other names: c.715G>C, p.Glu239Gln (NM_001410772.1); short protein forms E239Q, E257Q.
Identifiers: ClinVar variation 2679897 (VCV002679897.2), dbSNP rs2153227427, ClinGen allele CA353107065.